The following is an entry in ClinVar:

NM_001042492.3(NF1):c.793dup (p.Ala265fs)

Gene: NF1 (neurofibromin 1; plus strand). Cytogenetic location: 17q11.2.
Variant type: Duplication.
Coding change: c.793dup on transcript NM_001042492.3 (MANE Select); coding-DNA position 793, one base duplicated (G; older notation c.793dupG).
Protein change: p.Ala265fs; shifts the reading frame from alanine 265.
Molecular consequence: frameshift variant.
Genome position (GRCh38, 1-based): chr17:31,182,570, G duplicated. VCF-style (leftmost placement, unchanged base first): chr17-31182569-A-AG. GRCh37 (hg19) VCF-style: chr17-29509587-A-AG.
Other names: c.793dupG (NM_000267.3); c.793dup, p.Ala265Glyfs (NM_000267.4); c.793dup, p.Ala265fs (NM_001128147.3); short protein forms A265fs.
Identifiers: ClinVar variation 3237963 (VCV003237963.1), dbSNP rs2544753552.

ClinVar aggregate classification (germline): Pathogenic (1 of 4 stars; one submission).

Conditions:
Hereditary cancer-predisposing syndrome. Also called: Neoplastic Syndromes, Hereditary; Tumor predisposition; Hereditary neoplastic syndrome; Hereditary Cancer Syndrome. Identifiers: Orphanet 140162, MedGen C0027672, MeSH D009386, MONDO:0015356.
Cardiovascular phenotype. Identifiers: MedGen CN230736.

Submission:

Ambry Genetics
Classification: Pathogenic for Cardiovascular phenotype; Hereditary cancer-predisposing syndrome. Last evaluated: 2023-12-14. Review status: criteria provided, single submitter. Criteria: Ambry Variant Classification Scheme 2023. Collection method: clinical testing. Allele origin: germline.
Comment: The c.793dupG variant, located in coding exon 8 of the NF1 gene, results from a duplication of G at nucleotide position 793, causing a translational frameshift with a predicted alternate stop codon (p.A265Gfs*26). This alteration is expected to result in loss of function by premature protein truncation or nonsense-mediated mRNA decay. As such, this alteration is interpreted as a disease-causing mutation.